The following is an entry in ClinVar:

NM_000061.3(BTK):c.1889T>C (p.Met630Thr)

Gene: BTK (Bruton tyrosine kinase; minus strand). Cytogenetic location: Xq22.1.
Variant type: single nucleotide variant.
Coding change: c.1889T>C on transcript NM_000061.3 (MANE Select); coding-DNA position 1889, T replaced by C.
Protein change: p.Met630Thr; replaces methionine 630 with threonine.
Molecular consequence: missense variant.
Genome position (GRCh38, 1-based): chrX:101,353,213, A>G on the plus strand (T>C on the coding strand, the complement: BTK is on the minus strand). VCF-style: chrX-101353213-A-G. GRCh37 (hg19) VCF-style: chrX-100608201-A-G.
Other names: c.1991T>C, p.Met664Thr (NM_001287344.2); c.1361T>C, p.Met454Thr (NM_001287345.2); short protein forms M454T, M630T, M664T.
Identifiers: ClinVar variation 929109 (VCV000929109.26), dbSNP rs128621210, ClinGen allele CA413918481.

ClinVar aggregate classification (germline): Pathogenic/Likely pathogenic. Review status: criteria provided, multiple submitters, no conflicts (2 of 4 stars). 3 submissions from 3 submitters: Pathogenic (1); Likely pathogenic (2). Last evaluated 2024-01-01.

Conditions:
X-linked agammaglobulinemia (XLA). Also called: Bruton's agammaglobulinemia; AGAMMAGLOBULINEMIA, X-LINKED, TYPE 1; Agammaglobulinemia, Bruton tyrosine kinase; Agammaglobulinemia, BTK; BTK-deficiency; Bruton-type agammaglobulinemia. Identifiers: Orphanet 229717, Orphanet 47, MedGen C0221026, MONDO:0010421, OMIM 300755.
X-linked agammaglobulinemia with growth hormone deficiency (IGHD3). Also called: FLEISHER SYNDROME; HYPOGAMMAGLOBULINEMIA AND ISOLATED GROWTH HORMONE DEFICIENCY, X-LINKED; IGHD III; AGAMMAGLOBULINEMIA AND ISOLATED GROWTH HORMONE DEFICIENCY, X-LINKED; Isolated growth hormone deficiency type 3; Growth hormone deficiency with hypogammaglobulinemia. Identifiers: Orphanet 231692, Orphanet 631, MedGen C0472813, MONDO:0010615, OMIM 307200.

Submissions (3):

CeGaT Center for Human Genetics Tuebingen
Classification: Pathogenic. Last evaluated: 2024-01-01. Review status: criteria provided, single submitter. Criteria: CeGaT Center For Human Genetics Tuebingen Variant Classification Criteria Version 2. Collection method: clinical testing. Allele origin: germline. Affected: yes. Observed: 1 variant allele.
Comment: BTK: PM1, PM2, PM5, PS4:Moderate, PP2, PP3

Labcorp Genetics (formerly Invitae), Labcorp
Classification: Likely pathogenic for X-linked agammaglobulinemia with growth hormone deficiency. Last evaluated: 2023-03-08. Review status: criteria provided, single submitter. Criteria: Invitae Variant Classification Sherloc (09022015). Collection method: clinical testing. Allele origin: germline.
Comment: This variant is not present in population databases (gnomAD no frequency). This sequence change replaces methionine, which is neutral and non-polar, with threonine, which is neutral and polar, at codon 630 of the BTK protein (p.Met630Thr). This missense change has been observed in individuals with X-linked agammaglobulinemia (PMID: 15661032). ClinVar contains an entry for this variant (Variation ID: 929109). Advanced modeling of protein sequence and biophysical properties (such as structural, functional, and spatial information, amino acid conservation, physicochemical variation, residue mobility, and thermodynamic stability) performed at Invitae indicates that this missense variant is expected to disrupt BTK protein function. This variant disrupts the p.Met630 amino acid residue in BTK. Other variant(s) that disrupt this residue have been observed in individuals with BTK-related conditions (PMID: 7880320, 16913189, 25777788), which suggests that this may be a clinically significant amino acid residue. In summary, the currently available evidence indicates that the variant is pathogenic, but additional data are needed to prove that conclusively. Therefore, this variant has been classified as Likely Pathogenic.

Women's Health and Genetics/Laboratory Corporation of America, LabCorp
Classification: Likely pathogenic for X-linked agammaglobulinemia. Last evaluated: 2019-01-27. Review status: criteria provided, single submitter. Criteria: LabCorp Variant Classification Summary - May 2015. Collection method: clinical testing. Allele origin: germline.
Comment: Variant summary: BTK c.1889T>C (p.Met630Thr) results in a non-conservative amino acid change located in the Protein kinase domain (IPR000719) of the encoded protein sequence. Five of five in-silico tools predict a damaging effect of the variant on protein function. The variant was absent in 178604 control chromosomes. c.1889T>C has been reported in the literature in at-least 2 individuals affected with X-linked Agammaglobulinemia (Conley_2005). These data indicate that the variant may be associated with disease. To our knowledge, no experimental evidence demonstrating an impact on protein function has been reported. No clinical diagnostic laboratories have submitted clinical-significance assessments for this variant to ClinVar after 2014. Based on the evidence outlined above, the variant was classified as likely pathogenic.

Literature cited by the submitters: PubMed 15661032 (cited by Labcorp Genetics (formerly Invitae), Labcorp and Women's Health and Genetics/Laboratory Corporation of America, LabCorp); PubMed 7880320 (cited by Labcorp Genetics (formerly Invitae), Labcorp); PubMed 16913189 (cited by Labcorp Genetics (formerly Invitae), Labcorp); PubMed 25777788 (cited by Labcorp Genetics (formerly Invitae), Labcorp).